The following is an entry in ClinVar:

ClinVar aggregate classification (germline): Uncertain significance (1 of 4 stars; one submission).

Allele frequency attached by ClinVar (database versions not stated): TOPMed below 0.00001.

Submission:

Labcorp Genetics (formerly Invitae), Labcorp
Classification: Uncertain significance. Last evaluated: 2022-07-12. Review status: criteria provided, single submitter. Criteria: Invitae Variant Classification Sherloc (09022015). Collection method: clinical testing. Allele origin: germline.
Comment: Algorithms developed to predict the effect of missense changes on protein structure and function (SIFT, PolyPhen-2, Align-GVGD) all suggest that this variant is likely to be tolerated. In summary, the available evidence is currently insufficient to determine the role of this variant in disease. Therefore, it has been classified as a Variant of Uncertain Significance. ClinVar contains an entry for this variant (Variation ID: 1487999). This sequence change replaces cysteine, which is neutral and slightly polar, with arginine, which is basic and polar, at codon 263 of the GNB3 protein (p.Cys263Arg). This variant is not present in population databases (gnomAD no frequency). This variant has not been reported in the literature in individuals affected with GNB3-related conditions.

NM_002075.4(GNB3):c.787T>C (p.Cys263Arg)

Genes: GNB3 (G protein subunit beta 3; plus strand), CDCA3 (cell division cycle associated 3; minus strand). Cytogenetic location: 12p13.31.
Variant type: single nucleotide variant.
Coding change: c.787T>C on transcript NM_002075.4 (MANE Select); coding-DNA position 787, T replaced by C.
Protein change: p.Cys263Arg; replaces cysteine 263 with arginine.
Molecular consequence: missense variant. On other transcripts: 3 prime UTR variant (1).
Genome position (GRCh38, 1-based): chr12:6,845,673, T>C. VCF-style: chr12-6845673-T-C. GRCh37 (hg19) VCF-style: chr12-6954837-T-C.
Other names: c.784T>C, p.Cys262Arg (NM_001297571.2); c.*1115A>G (NM_001297603.3); short protein forms C262R, C263R.
Identifiers: ClinVar variation 1487999 (VCV001487999.8), dbSNP rs2097332197, ClinGen allele CA383674894.
Genomic context (GRCh38, chr12:6,845,673, plus strand): 5'-ACGGGCTCGGATGACGCTTCCTGCCGCTTGTTTGACCTGCGGGCAGACCAGGAGCTGATC[T>C]GCTTCTCCCACGAGAGCATCATCTGCGGCATCACGTCCGTGGCCTTCTCCCTCAGTGGCC-3'
Protein context (NP_002066.1, residues 253-273): FDLRADQELI[Cys263Arg]FSHESIICGI